The following is an entry in ClinVar:

ClinVar aggregate classification (germline): Pathogenic (1 of 4 stars; one submission).

Conditions:
Congenital dyserythropoietic anemia, type II (CDAN2). Also called: DYSERYTHROPOIETIC ANEMIA, HEMPAS TYPE. Identifiers: Orphanet 98873, MedGen C1306589, MONDO:0009134, OMIM 224100.
Cowden syndrome 7 (CWS7). Identifiers: Orphanet 201, MedGen C4225179, MONDO:0014802, OMIM 616858.

Submission:

Labcorp Genetics (formerly Invitae), Labcorp
Classification: Pathogenic for Congenital dyserythropoietic anemia, type II; Cowden syndrome 7. Last evaluated: 2023-07-28. Review status: criteria provided, single submitter. Criteria: Invitae Variant Classification Sherloc (09022015). Collection method: clinical testing. Allele origin: germline.
Comment: For these reasons, this variant has been classified as Pathogenic. Algorithms developed to predict the effect of sequence changes on RNA splicing suggest that this variant may create or strengthen a splice site. This premature translational stop signal has been observed in individual(s) with dyserythropoietic anaemia type II (PMID: 27471141). This variant is not present in population databases (gnomAD no frequency). This sequence change creates a premature translational stop signal (p.Asp377Phefs*17) in the SEC23B gene. It is expected to result in an absent or disrupted protein product. Loss-of-function variants in SEC23B are known to be pathogenic (PMID: 19561605, 25044164).

Literature cited by the submitters: PubMed 27471141; PubMed 19561605; PubMed 25044164.

NM_006363.6(SEC23B):c.1129_1130del (p.Asp377fs)

Gene: SEC23B (SEC23 homolog B, COPII component; plus strand). Cytogenetic location: 20p11.23.
Variant type: Microsatellite.
Coding change: c.1129_1130del on transcript NM_006363.6 (MANE Select); coding-DNA positions 1129 to 1130, 2 bases deleted (GA; older notation c.1129_1130delGA).
Protein change: p.Asp377fs; shifts the reading frame from aspartic acid 377.
Molecular consequence: frameshift variant.
Genome position (GRCh38, 1-based): chr20:18,530,699-18,530,700, GA deleted; deleting any 2 consecutive bases within chr20:18,530,697-18,530,700 gives the same sequence; the c. name uses the placement nearest the transcript's 3' end. VCF-style (leftmost placement, unchanged base first): chr20-18530696-GGA-G. GRCh37 (hg19) VCF-style: chr20-18511340-GGA-G.
Other names: c.1129_1130del, p.Asp377fs (NM_001172745.3, NM_032985.6, NM_032986.5); c.1075_1076del, p.Asp359fs (NM_001172746.3); short protein forms D359fs, D377fs.
Identifiers: ClinVar variation 2925649 (VCV002925649.3), dbSNP rs2517482273, ClinGen allele CA2652016006.
Genomic context (GRCh38, chr20:18,530,696, plus strand): 5'-TTCAATCTTCCTAATATTCACTTGATTTTTTTCTTCTTACCTAGAGGCTACATGGTAATG[GGA>G]GATTCTTTCAACACTTCTCTCTTCAAGCAGACATTCCAAAGAATCTTTACTAAAGATTTT-3'